The following is an entry in ClinVar:

NM_024589.3(ROGDI):c.531+5G>C

Gene: ROGDI (rogdi atypical leucine zipper; minus strand). Cytogenetic location: 16p13.3.
Variant type: single nucleotide variant.
Coding change: c.531+5G>C on transcript NM_024589.3 (MANE Select); 5 bases into the intron after coding-DNA position 531, G replaced by C.
Molecular consequence: intron variant.
Genome position (GRCh38, 1-based): chr16:4,798,564, C>G on the plus strand (G>C on the coding strand, the complement: ROGDI is on the minus strand). VCF-style: chr16-4798564-C-G. GRCh37 (hg19) VCF-style: chr16-4848565-C-G.
Other names: NC_000016.9:g.4848565C>G; IVS7DS, G-C, +5.
Identifiers: ClinVar variation 31227 (VCV000031227.9), dbSNP rs749657986, ClinGen allele CA129776.

ClinVar aggregate classification (germline): Likely pathogenic. Review status: criteria provided, multiple submitters, no conflicts (2 of 4 stars). 5 submissions from 5 submitters: Likely pathogenic (4). 1 of the submissions does not count toward it. Last evaluated 2026-01-30.

Conditions:
Amelocerebrohypohidrotic syndrome (KTZS). Also called: EPILEPSY AND YELLOW TEETH; EPILEPSY, DEMENTIA, AND AMELOGENESIS IMPERFECTA; Kohlschutter's syndrome; KOHLSCHUTTER SYNDROME. Identifiers: Orphanet 1946, MedGen C0406740, MONDO:0009185, OMIM 226750.

Allele frequency attached by ClinVar (database versions not stated): ExAC 0.00005; TOPMed 0.00002; gnomAD exomes 0.00001; gnomAD 0.00003.
gnomAD v4.1: 24 of 1,548,222 alleles (0.0016%); highest among the groups gnomAD compares: Non-Finnish European, 0.0021%; no homozygotes.

Submissions (6):

Women's Health and Genetics/Laboratory Corporation of America, LabCorp
Classification: Likely pathogenic for Amelocerebrohypohidrotic syndrome. Last evaluated: 2026-01-30. Review status: criteria provided, single submitter. Criteria: LabCorp Variant Classification Summary - May 2015. Collection method: clinical testing. Allele origin: germline.
Comment: Variant summary: ROGDI c.531+5G>C alters a conserved nucleotide located close to a canonical splice site and therefore could affect mRNA splicing, leading to a significantly altered protein sequence. Several computational tools predict a significant impact on normal splicing: two predict the variant abolishes the 5' splicing donor site, while two predict the variant weakens the 5' donor site. At least one publication reports experimental evidence that this variant affects mRNA splicing, demonstrating in-frame skipping exon 7 (Schossig_2012). The variant allele was found at a frequency of 6.2e-06 in 161074 control chromosomes (gnomAD). c.531+5G>C has been observed in a compound heterozygous individual affected with Kohlschutter-Tonz syndrome (Schossig_2012). The following publications have been ascertained in the context of this evaluation (PMID: 28638151, 22424600, 37974187). ClinVar contains an entry for this variant (Variation ID: 31227). Based on the evidence outlined above, the variant was classified as likely pathogenic.

Labcorp Genetics (formerly Invitae), Labcorp
Classification: Likely pathogenic for Amelocerebrohypohidrotic syndrome. Last evaluated: 2025-09-02. Review status: criteria provided, single submitter. Criteria: Invitae Variant Classification Sherloc (09022015). Collection method: clinical testing. Allele origin: germline.
Comment: This sequence change falls in intron 7 of the ROGDI gene. It does not directly change the encoded amino acid sequence of the ROGDI protein. RNA analysis indicates that this variant induces altered splicing and likely results in a shortened protein product. The frequency data for this variant in the population databases is considered unreliable, as metrics indicate poor data quality at this position in the gnomAD database. This variant has been observed in individual(s) with Kohlschutter-Tonz syndrome (PMID: 22424600). In at least one individual the data is consistent with being in trans (on the opposite chromosome) from a pathogenic variant. ClinVar contains an entry for this variant (Variation ID: 31227). Variants that disrupt the consensus splice site are a relatively common cause of aberrant splicing (PMID: 17576681, 9536098). Studies have shown that this variant results in skipping of 7, but is expected to preserve the integrity of the reading-frame (PMID: 22424600). In summary, the currently available evidence indicates that the variant is pathogenic, but additional data are needed to prove that conclusively. Therefore, this variant has been classified as Likely Pathogenic.

GeneDx
Classification: Likely pathogenic. Last evaluated: 2023-05-25. Review status: criteria provided, single submitter. Criteria: GeneDx Variant Classification Process June 2021. Collection method: clinical testing. Allele origin: germline. Affected: yes.
Comment: Has been reported in a patient with early onset seizures and enamel defects in trans with another splicing variant (Schossig et al., 2012); Published functional studies demonstrate that this vairant results in abberant splicing leading to exon skipping (Schossing et al., 2012); Not observed at significant frequency in large population cohorts (gnomAD); In silico analysis supports a deleterious effect on splicing; This variant is associated with the following publications: (PMID: 28638151, 22424600)

Institute of Human Genetics, University of Leipzig Medical Center
Classification: Likely pathogenic for Amelocerebrohypohidrotic syndrome. Last evaluated: 2022-12-16. Review status: criteria provided, single submitter. Criteria: ACMG Guidelines, 2015. Collection method: clinical testing. Allele origin: unknown. Affected: yes.
Comment: _x000D_ Criteria applied: PM3_VSTR, PM2_SUP

OMIM
Classification: Pathogenic for KOHLSCHUTTER-TONZ SYNDROME. Last evaluated: 1974-10-01. Review status: no assertion criteria provided. Collection method: literature only. Allele origin: germline. Not counted in ClinVar's aggregate classification.

Dr. Peter K. Rogan Lab, Western University
No classification provided (evidence only). Condition: Gastric cancer. Review status: no classification provided. Collection method: in vitro. Allele origin: not applicable. Functional consequence: retained intron. Not counted in ClinVar's aggregate classification.

Literature cited by the submitters: PubMed 28638151 (cited by Women's Health and Genetics/Laboratory Corporation of America, LabCorp); PubMed 22424600 (cited by Women's Health and Genetics/Laboratory Corporation of America, LabCorp and Labcorp Genetics (formerly Invitae), Labcorp); PubMed 37974187 (cited by Women's Health and Genetics/Laboratory Corporation of America, LabCorp); PubMed 17576681 (cited by Labcorp Genetics (formerly Invitae), Labcorp); PubMed 9536098 (cited by Labcorp Genetics (formerly Invitae), Labcorp); Schossig, A., Wolf, N., Koch, M. J., Bast, T., Hoffmann, G. F., Zschocke, J., Kohlschutter, A. Epileptische Enzephalopathie und Zahnschmelzdefekt (Kohlschutter-Tonz-Syndrom): Drei Fallberichte und Literaturubersicht. Med. Genetik 4: 422-426, 2007. (cited by OMIM); PubMed 4372200 (cited by OMIM).